The following is an entry in ClinVar:

NM_000814.6(GABRB3):c.119C>T (p.Thr40Met)

Gene: GABRB3 (gamma-aminobutyric acid type A receptor subunit beta3; minus strand). Cytogenetic location: 15q12.
Variant type: single nucleotide variant.
Coding change: c.119C>T on transcript NM_000814.6 (MANE Select); coding-DNA position 119, C replaced by T.
Protein change: p.Thr40Met; replaces threonine 40 with methionine.
Molecular consequence: missense variant. On other transcripts: 5 prime UTR variant (1).
Genome position (GRCh38, 1-based): chr15:26,772,734, G>A on the plus strand (C>T on the coding strand, the complement: GABRB3 is on the minus strand). VCF-style: chr15-26772734-G-A. GRCh37 (hg19) VCF-style: chr15-27017881-G-A.
Other names: c.-233C>T (NM_001278631.2); c.119C>T, p.Thr40Met (NM_021912.5); short protein forms T40M.
Identifiers: ClinVar variation 1018866 (VCV001018866.8), dbSNP rs1178513934, ClinGen allele CA391465443.

ClinVar aggregate classification (germline): Uncertain significance (1 of 4 stars; one submission).

Conditions:
Epilepsy, childhood absence, susceptibility to, 5. Identifiers: Orphanet 64280, MedGen C2677087, MONDO:0012843, OMIM 612269.
Epilepsy, childhood absence, susceptibility to, 1. Also called: Epilepsy, childhood absence 1. Identifiers: Orphanet 64280, MedGen C1838604, MONDO:0020759, OMIM 600131.

Submission:

Labcorp Genetics (formerly Invitae), Labcorp
Classification: Uncertain significance for Epilepsy, childhood absence, susceptibility to, 5; Epilepsy, childhood absence, susceptibility to, 1. Last evaluated: 2022-09-19. Review status: criteria provided, single submitter. Criteria: Invitae Variant Classification Sherloc (09022015). Collection method: clinical testing. Allele origin: germline.
Comment: In summary, the available evidence is currently insufficient to determine the role of this variant in disease. Therefore, it has been classified as a Variant of Uncertain Significance. Advanced modeling of protein sequence and biophysical properties (such as structural, functional, and spatial information, amino acid conservation, physicochemical variation, residue mobility, and thermodynamic stability) performed at Invitae indicates that this missense variant is expected to disrupt GABRB3 protein function. ClinVar contains an entry for this variant (Variation ID: 1018866). This variant has not been reported in the literature in individuals affected with GABRB3-related conditions. This variant is not present in population databases (gnomAD no frequency). This sequence change replaces threonine, which is neutral and polar, with methionine, which is neutral and non-polar, at codon 40 of the GABRB3 protein (p.Thr40Met).